The following is an entry in ClinVar:

NC_000015.9:g.(?_80445397)_(80460678_?)del

Gene: FAH (fumarylacetoacetate hydrolase; plus strand). Cytogenetic location: 15q25.1.
Variant type: Deletion.
Identifiers: ClinVar variation 3243756 (VCV003243756.1).

ClinVar aggregate classification (germline): Pathogenic (1 of 4 stars; one submission).

Conditions:
Tyrosinemia type I (TYRSN1). Also called: Tyrosinemia type 1; Fumarylacetoacetase deficiency; Deficiency of fumarylacetoacetase; HEPATORENAL TYROSINEMIA; FAH DEFICIENCY. Identifiers: Orphanet 882, MedGen C0268490, MONDO:0010161, OMIM 276700. Disease mechanism: loss of function.

Submission:

Labcorp Genetics (formerly Invitae), Labcorp
Classification: Pathogenic for Tyrosinemia type I. Last evaluated: 2023-09-21. Review status: criteria provided, single submitter. Criteria: Invitae Variant Classification Sherloc (09022015). Collection method: clinical testing. Allele origin: unknown.
Comment: This variant is a gross deletion of the genomic region encompassing exon(s) 1-7 of the FAH gene, which includes the initiator codon. This deletion extends beyond the assayed region for this gene and therefore may encompass additional genes. It is expected to result in an absent or disrupted protein product. Loss-of-function variants in FAH are known to be pathogenic (PMID: 9101289, 9633815). This variant has not been reported in the literature in individuals affected with FAH-related conditions. For these reasons, this variant has been classified as Pathogenic.

Literature cited by the submitters: PubMed 9101289; PubMed 9633815.